The following is an entry in ClinVar:

NM_003640.5(ELP1):c.2859T>A (p.Cys953Ter)

Gene: ELP1 (elongator acetyltransferase complex subunit 1; minus strand). Cytogenetic location: 9q31.3.
Variant type: single nucleotide variant.
Coding change: c.2859T>A on transcript NM_003640.5 (MANE Select); coding-DNA position 2859, T replaced by A.
Protein change: p.Cys953Ter; replaces cysteine 953 with a stop codon.
Molecular consequence: nonsense.
Genome position (GRCh38, 1-based): chr9:108,893,944, A>T on the plus strand (T>A on the coding strand, the complement: ELP1 is on the minus strand). VCF-style: chr9-108893944-A-T. GRCh37 (hg19) VCF-style: chr9-111656224-A-T.
Other names: c.2517T>A, p.Cys839Ter (NM_001318360.2); c.1812T>A, p.Cys604Ter (NM_001330749.2); c.2859T>A (NM_003640.4); short protein forms C604*, C839*, C953*.
Identifiers: ClinVar variation 1071639 (VCV001071639.8), dbSNP rs762459906, ClinGen allele CA374418715.

ClinVar aggregate classification (germline): Pathogenic/Likely pathogenic. Review status: criteria provided, multiple submitters, no conflicts (2 of 4 stars). 2 submissions from 2 submitters: Pathogenic (1); Likely pathogenic (1). Last evaluated 2025-12-12.

Conditions:
Familial dysautonomia. Also called: HSAN III; FD. Identifiers: Orphanet 1764, MedGen C0013364, MONDO:0009131, OMIM 223900. Disease mechanism: loss of function.

Allele frequency attached by ClinVar (database versions not stated): TOPMed below 0.00001.

Submissions (2):

Natera, Inc.
Classification: Likely pathogenic for Familial dysautonomia. Last evaluated: 2025-12-12. Review status: criteria provided, single submitter. Criteria: Natera Variant Classification Schema (03/2026). Collection method: clinical testing. Allele origin: germline.
Comment: The c.2859T>A variant in ELP1 is a nonsense variant predicted to introduce a stop codon at amino acid 953. This variant is expected to result in nonsense mediated decay, truncation, or a dysfunctional protein product. This variant is rare in the general population with a frequency below the threshold expected for the associated phenotype(s). Given the available evidence, this variant is classified as Likely Pathogenic.

Labcorp Genetics (formerly Invitae), Labcorp
Classification: Pathogenic. Last evaluated: 2021-06-24. Review status: criteria provided, single submitter. Criteria: Invitae Variant Classification Sherloc (09022015). Collection method: clinical testing. Allele origin: germline.
Comment: For these reasons, this variant has been classified as Pathogenic. Loss-of-function variants in ELP1 are known to be pathogenic (PMID: 18303054, 24173031). This variant has not been reported in the literature in individuals with ELP1-related conditions. This variant is not present in population databases (ExAC no frequency). This sequence change creates a premature translational stop signal (p.Cys953*) in the ELP1 gene. It is expected to result in an absent or disrupted protein product.

Literature cited by the submitters: PubMed 18303054 (cited by Labcorp Genetics (formerly Invitae), Labcorp); PubMed 24173031 (cited by Labcorp Genetics (formerly Invitae), Labcorp).